The following is an entry in ClinVar:

ClinVar aggregate classification (germline): Uncertain significance (1 of 4 stars; one submission).

Conditions:
Intellectual developmental disorder, autosomal dominant 1. Also called: MBD5 Haploinsufficiency; Intellectual disability, autosomal dominant 1. Identifiers: Orphanet 228402, MedGen C1969562, MONDO:0007974, OMIM 156200.

Submission:

Labcorp Genetics (formerly Invitae), Labcorp
Classification: Uncertain significance for Intellectual developmental disorder, autosomal dominant 1. Last evaluated: 2017-02-20. Review status: criteria provided, single submitter. Criteria: Invitae Variant Classification Sherloc (09022015). Collection method: clinical testing. Allele origin: germline.
Comment: In summary, this variant is a novel missense change that is not predicted to affect protein function. There is no indication that it causes disease, but the available evidence is currently insufficient to prove that conclusively. Therefore, it has been classified as a Variant of Uncertain Significance. Algorithms developed to predict the effect of missense changes on protein structure and function (SIFT, PolyPhen-2, Align-GVGD) all suggest that this variant is likely to be tolerated, but these predictions have not been confirmed by published functional studies. This variant is not present in population databases (ExAC no frequency) and has not been reported in the literature in individuals with a MBD5-related disease. This sequence change replaces glutamic acid with lysine at codon 1023 of the MBD5 protein (p.Glu1023Lys). The glutamic acid residue is highly conserved and there is a small physicochemical difference between glutamic acid and lysine.

NM_001378120.1(MBD5):c.3766G>A (p.Glu1256Lys)

Gene: MBD5 (methyl-CpG binding domain protein 5; plus strand). Cytogenetic location: 2q23.1.
Variant type: single nucleotide variant.
Coding change: c.3766G>A on transcript NM_001378120.1 (MANE Select); coding-DNA position 3766, G replaced by A.
Protein change: p.Glu1256Lys; replaces glutamic acid 1256 with lysine.
Molecular consequence: missense variant.
Genome position (GRCh38, 1-based): chr2:148,489,398, G>A. VCF-style: chr2-148489398-G-A. GRCh37 (hg19) VCF-style: chr2-149246967-G-A.
Other names: c.3067G>A, p.Glu1023Lys (NM_018328.5); short protein forms E1023K, E1256K.
Identifiers: ClinVar variation 468778 (VCV000468778.9), dbSNP rs1064796473, ClinGen allele CA348724863.